The following is an entry in ClinVar:

ClinVar aggregate classification (germline): Benign/Likely benign. Review status: criteria provided, multiple submitters, no conflicts (2 of 4 stars). 4 submissions from 4 submitters: Benign (1); Likely benign (3). Last evaluated 2024-08-22.

Conditions:
Hereditary cancer-predisposing syndrome. Also called: Tumor predisposition; Neoplastic Syndromes, Hereditary; Hereditary Cancer Syndrome; Hereditary neoplastic syndrome. Identifiers: Orphanet 140162, MedGen C0027672, MeSH D009386, MONDO:0015356.
Fanconi anemia complementation group J. Also called: BRIP1-Related Fanconi Anemia. Identifiers: Orphanet 84, MedGen C1836860, MONDO:0012187, OMIM 609054.
Familial cancer of breast. Also called: BREAST CANCER, FAMILIAL; hereditary breast carcinoma; Hereditary breast cancer. Identifiers: Orphanet 227535, MedGen C0346153, MONDO:0016419, OMIM 114480. Disease mechanism: loss of function.

Submissions (4):

Myriad Genetics, Inc.
Classification: Benign for Familial cancer of breast. Last evaluated: 2024-08-22. Review status: criteria provided, single submitter. Criteria: Myriad Autosomal Dominant, Autosomal Recessive and X-Linked Classification Criteria (2023). Collection method: clinical testing. Allele origin: unknown.
Comment: This variant is considered benign. This variant is a silent/synonymous amino acid change and it is not expected to impact splicing.

Labcorp Genetics (formerly Invitae), Labcorp
Classification: Likely benign for Familial cancer of breast; Fanconi anemia complementation group J. Last evaluated: 2024-01-09. Review status: criteria provided, single submitter. Criteria: Invitae Variant Classification Sherloc (09022015). Collection method: clinical testing. Allele origin: germline.

Ambry Genetics
Classification: Likely benign for Hereditary cancer-predisposing syndrome. Last evaluated: 2021-06-21. Review status: criteria provided, single submitter. Criteria: Ambry Variant Classification Scheme 2023. Collection method: clinical testing. Allele origin: germline.

Color Diagnostics, LLC DBA Color Health
Classification: Likely benign for Hereditary cancer-predisposing syndrome. Last evaluated: 2015-06-15. Review status: criteria provided, single submitter. Criteria: ACMG Guidelines, 2015. Collection method: clinical testing. Allele origin: germline.

NM_032043.3(BRIP1):c.651C>T (p.Cys217=)

Gene: BRIP1 (BRCA1 interacting DNA helicase 1; minus strand). Cytogenetic location: 17q23.2.
Variant type: single nucleotide variant.
Coding change: c.651C>T on transcript NM_032043.3 (MANE Select); coding-DNA position 651, C replaced by T.
Protein change: p.Cys217=; no amino-acid change (cysteine 217 retained).
Molecular consequence: synonymous variant.
Genome position (GRCh38, 1-based): chr17:61,808,734, G>A on the plus strand (C>T on the coding strand, the complement: BRIP1 is on the minus strand). VCF-style: chr17-61808734-G-A. GRCh37 (hg19) VCF-style: chr17-59886095-G-A.
Identifiers: ClinVar variation 491476 (VCV000491476.9), dbSNP rs1555609365, ClinGen allele CA501335358.